The following is an entry in ClinVar:

NM_000535.7(PMS2):c.1595A>G (p.His532Arg)

Gene: PMS2 (PMS1 homolog 2, mismatch repair system component; minus strand). Cytogenetic location: 7p22.1.
Variant type: single nucleotide variant.
Coding change: c.1595A>G on transcript NM_000535.7 (MANE Select); coding-DNA position 1595, A replaced by G.
Protein change: p.His532Arg; replaces histidine 532 with arginine.
Molecular consequence: missense variant. On other transcripts: non-coding transcript variant (1).
Genome position (GRCh38, 1-based): chr7:5,987,170, T>C on the plus strand (A>G on the coding strand, the complement: PMS2 is on the minus strand). VCF-style: chr7-5987170-T-C. GRCh37 (hg19) VCF-style: chr7-6026801-T-C.
Other names: c.1190A>G, p.His397Arg (NM_001322003.2, NM_001322004.2, NM_001322005.2 and 1 more transcripts); c.1439A>G, p.His480Arg (NM_001322006.2); c.1277A>G, p.His426Arg (NM_001322007.2, NM_001322008.2); c.1034A>G, p.His345Arg (NM_001322010.2); c.662A>G, p.His221Arg (NM_001322011.2, NM_001322012.2); c.1022A>G, p.His341Arg (NM_001322013.2); c.1595A>G, p.His532Arg (NM_001322014.2); c.1286A>G, p.His429Arg (NM_001322015.2); short protein forms H532R, H221R, H341R, H345R, H426R, H429R, H397R, H480R.
Identifiers: ClinVar variation 486936 (VCV000486936.20), dbSNP rs1554297505, ClinGen allele CA366741520.

ClinVar aggregate classification (germline): Uncertain significance. Review status: criteria provided, multiple submitters, no conflicts (2 of 4 stars). 5 submissions from 5 submitters: Uncertain significance (5). Last evaluated 2026-01-30.

Conditions:
Hereditary nonpolyposis colorectal neoplasms. Identifiers: MedGen C0009405, MeSH D003123.
Hereditary cancer-predisposing syndrome. Also called: Tumor predisposition; Hereditary Cancer Syndrome; Hereditary neoplastic syndrome; Neoplastic Syndromes, Hereditary. Identifiers: Orphanet 140162, MedGen C0027672, MeSH D009386, MONDO:0015356.
Lynch syndrome. Identifiers: Orphanet 144, MedGen C4552100, MONDO:0005835. Disease mechanism: loss of function.

Allele frequency attached by ClinVar (database versions not stated): gnomAD exomes 0.00001.
gnomAD v4.1: 5 of 1,614,006 alleles (0.00031%); highest among the groups gnomAD compares: Non-Finnish European, 0.00042%; no homozygotes.

Submissions (5):

Labcorp Genetics (formerly Invitae), Labcorp
Classification: Uncertain significance for Hereditary nonpolyposis colorectal neoplasms. Last evaluated: 2026-01-30. Review status: criteria provided, single submitter. Criteria: Invitae Variant Classification Sherloc (09022015). Collection method: clinical testing. Allele origin: germline.
Comment: This sequence change replaces histidine, which is basic and polar, with arginine, which is basic and polar, at codon 532 of the PMS2 protein (p.His532Arg). This variant is not present in population databases (gnomAD no frequency). This missense change has been observed in individual(s) with clinical features of PMS2-related conditions (internal data). ClinVar contains an entry for this variant (Variation ID: 486936). Invitae Evidence Modeling incorporating data from in vitro experimental studies (internal data) indicates that this missense variant is not expected to disrupt PMS2 function with a negative predictive value of 95%. In summary, the available evidence is currently insufficient to determine the role of this variant in disease. Therefore, it has been classified as a Variant of Uncertain Significance.

Ambry Genetics
Classification: Uncertain significance for Hereditary cancer-predisposing syndrome. Last evaluated: 2025-01-19. Review status: criteria provided, single submitter. Criteria: Ambry Variant Classification Scheme 2023. Collection method: clinical testing. Allele origin: germline.
Comment: The p.H532R variant (also known as c.1595A>G), located in coding exon 11 of the PMS2 gene, results from an A to G substitution at nucleotide position 1595. The histidine at codon 532 is replaced by arginine, an amino acid with highly similar properties. This alteration was detected in cohort of 711 Russian breast cancer patients (Nikitin AG et al. Front Oncol, 2020 May;10:666). This amino acid position is poorly conserved in available vertebrate species. In addition, this alteration is predicted to be tolerated by in silico analysis. Since supporting evidence is limited at this time, the clinical significance of this alteration remains unclear.

All of Us Research Program, National Institutes of Health
Classification: Uncertain significance for Lynch syndrome. Last evaluated: 2023-04-03. Review status: criteria provided, single submitter. Criteria: ACMG Guidelines, 2015. Collection method: clinical testing. Allele origin: germline. Inheritance: Autosomal dominant inheritance. Observed: 1 variant allele, 1 heterozygote.
Comment: This missense variant replaces histidine with arginine at codon 532 of the PMS2 protein. Computational prediction suggests that this variant may not impact protein structure and function (internally defined REVEL score threshold <= 0.5, PMID: 27666373). To our knowledge, functional studies have not been reported for this variant. This variant has not been identified in the general population by the Genome Aggregation Database (gnomAD). The available evidence is insufficient to determine the role of this variant in disease conclusively. Therefore, this variant is classified as a Variant of Uncertain Significance.

This study involves interpretation of variants in research participants for the purpose of population health screening. Participant phenotype was not available at the time of variant classification. Additional details can be found in publication PMID: 35346344, PMCID: PMC8962531

GeneDx
Classification: Uncertain significance. Last evaluated: 2023-02-09. Review status: criteria provided, single submitter. Criteria: GeneDx Variant Classification Process June 2021. Collection method: clinical testing. Allele origin: germline. Affected: yes.
Comment: Not observed at significant frequency in large population cohorts (gnomAD); In silico analysis supports that this missense variant does not alter protein structure/function; Observed in an individual with a personal and/or family history of breast cancer (Nikitin et al., 2020); This variant is associated with the following publications: (PMID: 32547938)

Color Diagnostics, LLC DBA Color Health
Classification: Uncertain significance for Hereditary cancer-predisposing syndrome. Last evaluated: 2023-02-08. Review status: criteria provided, single submitter. Criteria: ACMG Guidelines, 2015. Collection method: clinical testing. Allele origin: germline.
Comment: This missense variant replaces histidine with arginine at codon 532 of the PMS2 protein. Computational prediction suggests that this variant may not impact protein structure and function (internally defined REVEL score threshold <= 0.5, PMID: 27666373). To our knowledge, functional studies have not been reported for this variant. This variant has not been identified in the general population by the Genome Aggregation Database (gnomAD). The available evidence is insufficient to determine the role of this variant in disease conclusively. Therefore, this variant is classified as a Variant of Uncertain Significance.

Literature cited by the submitters: PubMed 32547938 (cited by 3 submitters).